The following is an entry in ClinVar:

ClinVar aggregate classification (germline): Uncertain significance (1 of 4 stars; one submission).

Conditions:
Inborn genetic diseases. Identifiers: MedGen C0950123, MeSH D030342.

Allele frequency attached by ClinVar (database versions not stated): TOPMed below 0.00001.

Submission:

Ambry Genetics
Classification: Uncertain significance for Inborn genetic diseases. Last evaluated: 2022-07-10. Review status: criteria provided, single submitter. Criteria: Ambry Variant Classification Scheme 2023. Collection method: clinical testing. Allele origin: germline.
Comment: The p.H200Q variant (also known as c.600T>A), located in coding exon 6 of the MDH2 gene, results from a T to A substitution at nucleotide position 600. The histidine at codon 200 is replaced by glutamine, an amino acid with highly similar properties. This amino acid position is conserved. In addition, this alteration is predicted to be deleterious by in silico analysis. Since supporting evidence is limited at this time, the clinical significance of this alteration remains unclear.

NM_005918.4(MDH2):c.600T>A (p.His200Gln)

Gene: MDH2 (malate dehydrogenase 2; plus strand). Cytogenetic location: 7q11.23.
Variant type: single nucleotide variant.
Coding change: c.600T>A on transcript NM_005918.4 (MANE Select); coding-DNA position 600, T replaced by A.
Protein change: p.His200Gln; replaces histidine 200 with glutamine.
Molecular consequence: missense variant.
Genome position (GRCh38, 1-based): chr7:76,063,559, T>A. VCF-style: chr7-76063559-T-A. GRCh37 (hg19) VCF-style: chr7-75692877-T-A.
Other names: c.474T>A, p.His158Gln (NM_001282403.2); c.279T>A, p.His93Gln (NM_001282404.2); short protein forms H200Q, H93Q, H158Q.
Identifiers: ClinVar variation 1751072 (VCV001751072.2), dbSNP rs1585412075, ClinGen allele CA367766765.
Genomic context (GRCh38, chr7:76,063,559, plus strand): 5'-ATACTTTGGTCACCAGGGTTTGGATCCAGCTCGAGTCAACGTCCCTGTCATTGGTGGCCA[T>A]GCTGGGAAGACCATCATCCCCCTGATCTCTCAGGTACACGCATATGACCCTGTGAGGGGC-3'
Protein context (NP_005909.2, residues 190-210): ARVNVPVIGG[His200Gln]AGKTIIPLIS